The following is an entry in ClinVar:

NM_001352754.2(ARMC9):c.1560G>A (p.Pro520=)

Gene: ARMC9 (armadillo repeat containing 9; plus strand). Cytogenetic location: 2q37.1.
Variant type: single nucleotide variant.
Coding change: c.1560G>A on transcript NM_001352754.2 (MANE Select); coding-DNA position 1560, G replaced by A.
Protein change: p.Pro520=; no amino-acid change (proline 520 retained).
Molecular consequence: synonymous variant. On other transcripts: non-coding transcript variant (1).
Genome position (GRCh38, 1-based): chr2:231,282,067, G>A. VCF-style: chr2-231282067-G-A. GRCh37 (hg19) VCF-style: chr2-232146780-G-A.
Other names: c.1560G>A, p.Pro520= (NM_001271466.4, NM_001291656.2, NM_001352755.2 and 3 more transcripts); c.1461G>A, p.Pro487= (NM_001352757.2, NM_001352758.2).
Identifiers: ClinVar variation 735123 (VCV000735123.32), dbSNP rs34385474, ClinGen allele CA2160394.

ClinVar aggregate classification (germline): Benign/Likely benign. Review status: criteria provided, multiple submitters, no conflicts (2 of 4 stars). 3 submissions from 3 submitters: Benign (1); Likely benign (2). Last evaluated 2026-01-17.

Allele frequency attached by ClinVar (database versions not stated): 1000 Genomes Project 30x 0.00156; ExAC 0.00036; gnomAD exomes 0.00036; ESP Exome Variant Server 0.00077; gnomAD 0.00086; TOPMed 0.00095; 1000 Genomes Project 0.00140.
gnomAD v4.1: 431 of 1,613,998 alleles (0.027%); highest among the groups gnomAD compares: African/African-American, 0.29%; 2 homozygotes.

Submissions (3):

Labcorp Genetics (formerly Invitae), Labcorp
Classification: Benign. Last evaluated: 2026-01-17. Review status: criteria provided, single submitter. Criteria: Invitae Variant Classification Sherloc (09022015). Collection method: clinical testing. Allele origin: germline.

Blueprint Genetics
Classification: Likely benign. Last evaluated: 2024-10-23. Review status: criteria provided, single submitter. Criteria: ACMG Guidelines, 2015. Collection method: clinical testing. Allele origin: germline.

CeGaT Center for Human Genetics Tuebingen
Classification: Likely benign. Last evaluated: 2023-12-01. Review status: criteria provided, single submitter. Criteria: CeGaT Center For Human Genetics Tuebingen Variant Classification Criteria Version 2. Collection method: clinical testing. Allele origin: germline. Affected: yes. Observed: 1 variant allele.
Comment: ARMC9: BP4, BP7